The following is an entry in ClinVar:

ClinVar aggregate classification (germline): Uncertain significance (1 of 4 stars; one submission).

Conditions:
Hereditary pancreatitis (PCTT). Also called: Hereditary chronic pancreatitis; PRSS1-Related Hereditary Pancreatitis. Identifiers: Orphanet 676, MedGen C0238339, MONDO:0008185, OMIM 167800.

Submission:

Ambry Genetics
Classification: Uncertain significance for Hereditary pancreatitis. Last evaluated: 2024-11-11. Review status: criteria provided, single submitter. Criteria: Ambry Variant Classification Scheme 2023. Collection method: clinical testing. Allele origin: germline.
Comment: The p.E153D variant (also known as c.459A>C), located in coding exon 4 of the CPA1 gene, results from an A to C substitution at nucleotide position 459. The glutamic acid at codon 153 is replaced by aspartic acid, an amino acid with highly similar properties. This amino acid position is conserved. In addition, this alteration is predicted to be tolerated by in silico analysis. Based on the available evidence, the clinical significance of this variant remains unclear.

NM_001868.4(CPA1):c.459A>C (p.Glu153Asp)

Gene: CPA1 (carboxypeptidase A1; plus strand). Cytogenetic location: 7q32.2.
Variant type: single nucleotide variant.
Coding change: c.459A>C on transcript NM_001868.4 (MANE Select); coding-DNA position 459, A replaced by C.
Protein change: p.Glu153Asp; replaces glutamic acid 153 with aspartic acid.
Molecular consequence: missense variant.
Genome position (GRCh38, 1-based): chr7:130,382,185, A>C. VCF-style: chr7-130382185-A-C. GRCh37 (hg19) VCF-style: chr7-130022026-A-C.
Other names: short protein forms E153D.
Identifiers: ClinVar variation 3496225 (VCV003496225.1).